The following is an entry in ClinVar:

NM_001382508.1(DROSHA):c.1791C>T (p.His597=)

Gene: DROSHA (drosha ribonuclease III; minus strand). Cytogenetic location: 5p13.3.
Variant type: single nucleotide variant.
Coding change: c.1791C>T on transcript NM_001382508.1 (MANE Select); coding-DNA position 1791, C replaced by T.
Protein change: p.His597=; no amino-acid change (histidine 597 retained).
Molecular consequence: synonymous variant.
Genome position (GRCh38, 1-based): chr5:31,493,258, G>A on the plus strand (C>T on the coding strand, the complement: DROSHA is on the minus strand). VCF-style: chr5-31493258-G-A. GRCh37 (hg19) VCF-style: chr5-31493365-G-A.
Other names: c.1680C>T, p.His560= (NM_001100412.2); c.1791C>T, p.His597= (NM_013235.5).
Identifiers: ClinVar variation 3054883 (VCV003054883.2), dbSNP rs187001209, ClinGen allele CA3217587.

ClinVar aggregate classification (germline): Likely benign (0 of 4 stars; one submission).

Conditions:
DROSHA-related disorder. Also called: DROSHA-related condition.

Allele frequency attached by ClinVar (database versions not stated): gnomAD 0.00005; ExAC 0.00007; TOPMed 0.00007; gnomAD exomes 0.00010; 1000 Genomes Project 0.00020; 1000 Genomes Project 30x 0.00031.
gnomAD v4.1: 184 of 1,605,454 alleles (0.011%); highest among the groups gnomAD compares: East Asian, 0.018%; no homozygotes.

Submission:

PreventionGenetics, part of Exact Sciences
Classification: Likely benign for DROSHA-related condition. Last evaluated: 2022-02-16. Review status: no assertion criteria provided. Collection method: clinical testing. Allele origin: germline.
Comment: This variant is classified as likely benign based on ACMG/AMP sequence variant interpretation guidelines (Richards et al. 2015 PMID: 25741868, with internal and published modifications).